The following is an entry in ClinVar:

NM_172107.4(KCNQ2):c.1042G>A (p.Ala348Thr)

Gene: KCNQ2 (potassium voltage-gated channel subfamily Q member 2; minus strand). Cytogenetic location: 20q13.33.
Variant type: single nucleotide variant.
Coding change: c.1042G>A on transcript NM_172107.4 (MANE Select); coding-DNA position 1042, G replaced by A.
Protein change: p.Ala348Thr; replaces alanine 348 with threonine.
Molecular consequence: missense variant.
Genome position (GRCh38, 1-based): chr20:63,433,885, C>T on the plus strand (G>A on the coding strand, the complement: KCNQ2 is on the minus strand). VCF-style: chr20-63433885-C-T. GRCh37 (hg19) VCF-style: chr20-62065238-C-T.
Other names: c.1042G>A, p.Ala348Thr (NM_001382235.1, NM_004518.6, NM_172106.3 and 2 more transcripts); short protein forms A348T.
Identifiers: ClinVar variation 950074 (VCV000950074.12), dbSNP rs2080906700, ClinGen allele CA409651240.

ClinVar aggregate classification (germline): Pathogenic/Likely pathogenic. Review status: criteria provided, multiple submitters, no conflicts (2 of 4 stars). 3 submissions from 2 submitters: Pathogenic (2); Likely pathogenic (1). Last evaluated 2026-01-13.

Conditions:
Early-infantile DEE. Also called: Early infantile epileptic encephalopathy with suppression bursts; Ohtahara syndrome; Early infantile epileptic encephalopathy. Identifiers: Orphanet 1934, MedGen C0393706, MONDO:0800491.
Epilepsy. Also called: Seizure disorder. Identifiers: MedGen C0014544, MeSH D004827, MONDO:0005027.
Seizure. Also called: Seizures. Identifiers: MedGen C0036572, HP:0001250.

Submissions (3):

Cytogénomique, Hospices Civils de Lyon
Classification: Pathogenic for Epilepsy. Last evaluated: 2026-01-13. Review status: criteria provided, single submitter. Criteria: ACMG Guidelines, 2015. Collection method: clinical testing. Allele origin: paternal. Affected: yes.

Labcorp Genetics (formerly Invitae), Labcorp
Classification: Pathogenic for Early-infantile DEE. Last evaluated: 2024-08-15. Review status: criteria provided, single submitter. Criteria: Invitae Variant Classification Sherloc (09022015). Collection method: clinical testing. Allele origin: germline.
Comment: This sequence change replaces alanine, which is neutral and non-polar, with threonine, which is neutral and polar, at codon 348 of the KCNQ2 protein (p.Ala348Thr). This variant is not present in population databases (gnomAD no frequency). This missense change has been observed in individual(s) with clinical features of KCNQ2-related conditions (Invitae). In at least one individual the variant was observed to be de novo. ClinVar contains an entry for this variant (Variation ID: 950074). Invitae Evidence Modeling of protein sequence and biophysical properties (such as structural, functional, and spatial information, amino acid conservation, physicochemical variation, residue mobility, and thermodynamic stability) indicates that this missense variant is expected to disrupt KCNQ2 protein function with a positive predictive value of 95%. For these reasons, this variant has been classified as Pathogenic.

Cytogénomique, Hospices Civils de Lyon
Classification: Likely pathogenic for Seizures. Last evaluated: 2024-05-28. Review status: criteria provided, single submitter. Criteria: ACMG Guidelines, 2015. Collection method: clinical testing. Allele origin: maternal. Affected: yes. Observed: 1 variant allele, 1 heterozygote.